The following is an entry in ClinVar:

ClinVar aggregate classification (germline): Uncertain significance (1 of 4 stars; one submission).

Submission:

Ambry Genetics
Classification: Uncertain significance. Last evaluated: 2024-09-06. Review status: criteria provided, single submitter. Criteria: Ambry Variant Classification Scheme 2023. Collection method: clinical testing. Allele origin: germline.
Comment: The p.L226V variant (also known as c.676T>G), located in coding exon 7 of the FAM175A gene, results from a T to G substitution at nucleotide position 676. The leucine at codon 226 is replaced by valine, an amino acid with highly similar properties. This amino acid position is conserved. In addition, this alteration is predicted to be tolerated by in silico analysis. Based on the available evidence, the clinical significance of this variant remains unclear.

NM_139076.3(ABRAXAS1):c.676T>G (p.Leu226Val)

Gene: ABRAXAS1 (abraxas 1, BRCA1 A complex subunit; minus strand). Cytogenetic location: 4q21.23.
Variant type: single nucleotide variant.
Coding change: c.676T>G on transcript NM_139076.3 (MANE Select); coding-DNA position 676, T replaced by G.
Protein change: p.Leu226Val; replaces leucine 226 with valine.
Molecular consequence: missense variant.
Genome position (GRCh38, 1-based): chr4:83,467,459, A>C on the plus strand (T>G on the coding strand, the complement: ABRAXAS1 is on the minus strand). VCF-style: chr4-83467459-A-C. GRCh37 (hg19) VCF-style: chr4-84388612-A-C.
Other names: c.349T>G, p.Leu117Val (NM_001345962.2); short protein forms L226V, L117V.
Identifiers: ClinVar variation 3447181 (VCV003447181.1).